The following is an entry in ClinVar:

ClinVar aggregate classification (germline): Likely pathogenic. Review status: criteria provided, multiple submitters, no conflicts (2 of 4 stars). 2 submissions from 2 submitters: Likely pathogenic (2). Last evaluated 2025-08-29.

Conditions:
Hypophosphatasia. Also called: Phosphoethanol-aminuria. Identifiers: Orphanet 436, MedGen C0020630, MeSH D007014, MONDO:0018570.

Allele frequency attached by ClinVar (database versions not stated): gnomAD exomes below 0.00001.
gnomAD v4.1: 1 of 1,613,972 alleles (0.000062%); highest among the groups gnomAD compares: Non-Finnish European, 0.000085%; no homozygotes.

Submissions (2):

Genomenon, Inc
Classification: Likely pathogenic for Hypophosphatasia. Last evaluated: 2025-08-29. Review status: criteria provided, single submitter. Criteria: Genomenon Sequence Variant Interpretation Standards. Collection method: curation. Allele origin: germline. Affected: yes.
Comment: ALPL p.Gly420Asp (c.1259G>A) is a missense variant that changes the amino acid at residue 420 from Glycine to Aspartic acid. This variant has been observed in at least one proband affected with hypophosphatasia (PMID:32973344). At least one functional study has demonstrated a substantial alteration in protein function relative to the wild-type (PMID:32160374). It is absent or not present at a significant frequency in gnomAD. In silico models agree that this variant is possibly or probably damaging. In conclusion, we classify ALPL p.Gly420Asp (c.1259G>A) as a likely pathogenic variant.

JKU Lab, Dept of Paediatrics, Johannes Kepler University
Classification: Likely pathogenic for Hypophosphatasia. Last evaluated: 2023-12-05. Review status: criteria provided, single submitter. Criteria: ACMG Guidelines, 2015. Collection method: clinical testing. Allele origin: germline. Affected: yes. Observed: 1 heterozygote.
Comment: Absent in GnomAD.

Literature cited by the submitters: PubMed 32973344 (cited by Genomenon, Inc); PubMed 32160374 (cited by Genomenon, Inc).

NM_000478.6(ALPL):c.1259G>A (p.Gly420Asp)

Gene: ALPL (alkaline phosphatase, biomineralization associated; plus strand). Cytogenetic location: 1p36.12.
Variant type: single nucleotide variant.
Coding change: c.1259G>A on transcript NM_000478.6 (MANE Select); coding-DNA position 1259, G replaced by A.
Protein change: p.Gly420Asp; replaces glycine 420 with aspartic acid.
Molecular consequence: missense variant.
Genome position (GRCh38, 1-based): chr1:21,576,591, G>A. VCF-style: chr1-21576591-G-A. GRCh37 (hg19) VCF-style: chr1-21903084-G-A.
Other names: c.1094G>A, p.Gly365Asp (NM_001127501.4); c.1028G>A, p.Gly343Asp (NM_001177520.3); c.1259G>A, p.Gly420Asp (NM_001369803.2, NM_001369804.2, NM_001369805.2); short protein forms G343D, G365D, G420D.
Identifiers: ClinVar variation 2665102 (VCV002665102.2), dbSNP rs2545347491, ClinGen allele CA338881801.